The following is an entry in ClinVar:

NM_024426.6(WT1):c.689C>A (p.Thr230Lys)

Gene: WT1 (WT1 transcription factor; minus strand). Cytogenetic location: 11p13.
Variant type: single nucleotide variant.
Coding change: c.689C>A on transcript NM_024426.6 (MANE Select); coding-DNA position 689, C replaced by A.
Protein change: p.Thr230Lys; replaces threonine 230 with lysine.
Molecular consequence: missense variant. On other transcripts: 5 prime UTR variant (1), non-coding transcript variant (2), intron variant (2).
Genome position (GRCh38, 1-based): chr11:32,428,592, G>T on the plus strand (C>A on the coding strand, the complement: WT1 is on the minus strand). VCF-style: chr11-32428592-G-T. GRCh37 (hg19) VCF-style: chr11-32450138-G-T.
Other names: c.689C>A, p.Thr230Lys (NM_000378.6, NM_001407044.1, NM_001407045.1 and 4 more transcripts); c.38C>A, p.Thr13Lys (NM_001198551.2, NM_001198552.2); c.-74C>A (NM_001407051.1); c.674C>A, p.Thr225Lys (NM_024425.2); c.662-534C>A (NM_001407050.1, NM_001407047.1); short protein forms T13K, T225K, T230K.
Identifiers: ClinVar variation 2944556 (VCV002944556.3), dbSNP rs777166391, ClinGen allele CA379963539.

ClinVar aggregate classification (germline): Uncertain significance (1 of 4 stars; one submission).

Conditions:
Frasier syndrome. Identifiers: Orphanet 347, MedGen C0950122, MeSH D052159, MONDO:0007635, OMIM 136680.
Drash syndrome (DDS). Also called: NEPHROPATHY, WILMS TUMOR, AND GENITAL ANOMALIES; WILMS TUMOR AND PSEUDO- OR TRUE HERMAPHRODITISM. Identifiers: Orphanet 220, MedGen C0950121, MONDO:0008682, OMIM 194080.
Wilms tumor 1 (WT1). Also called: Wilms tumor, somatic. Identifiers: Orphanet 654, MedGen CN033288, MONDO:0008679, OMIM 194070.
11p partial monosomy syndrome (WAGR). Also called: WAGR Spectrum Disorder; CHROMOSOME 11p13 DELETION SYNDROME; WAGR syndrome; WAGR Complex. Identifiers: Orphanet 893, MedGen C0206115, MONDO:0008681, OMIM 194072.

gnomAD v4.1: 1 of 1,613,812 alleles (0.000062%); highest among the groups gnomAD compares: African/African-American, 0.0013%; no homozygotes.

Submission:

Labcorp Genetics (formerly Invitae), Labcorp
Classification: Uncertain significance for Wilms tumor 1; Drash syndrome; 11p partial monosomy syndrome; Frasier syndrome. Last evaluated: 2023-02-21. Review status: criteria provided, single submitter. Criteria: Invitae Variant Classification Sherloc (09022015). Collection method: clinical testing. Allele origin: germline.
Comment: An algorithm developed to predict the effect of missense changes on protein structure and function (PolyPhen-2) suggests that this variant is likely to be tolerated. In summary, the available evidence is currently insufficient to determine the role of this variant in disease. Therefore, it has been classified as a Variant of Uncertain Significance. This variant has not been reported in the literature in individuals affected with WT1-related conditions. This variant is not present in population databases (gnomAD no frequency). This sequence change replaces threonine, which is neutral and polar, with lysine, which is basic and polar, at codon 225 of the WT1 protein (p.Thr225Lys).